The following is an entry in ClinVar:

NM_000548.5(TSC2):c.4990-10G>A

Gene: TSC2 (TSC complex subunit 2; plus strand). Cytogenetic location: 16p13.3.
Variant type: single nucleotide variant.
Coding change: c.4990-10G>A on transcript NM_000548.5 (MANE Select); 10 bases into the intron before coding-DNA position 4990, G replaced by A.
Molecular consequence: intron variant.
Genome position (GRCh38, 1-based): chr16:2,087,853, G>A. VCF-style: chr16-2087853-G-A. GRCh37 (hg19) VCF-style: chr16-2137854-G-A.
Other names: c.4921-10G>A (NM_001114382.3); c.4861-10G>A (NM_021055.3, NM_001370405.1); c.4792-10G>A (NM_001363528.2); c.4858-10G>A (NM_001370404.1); c.4789-10G>A (NM_001077183.3); c.4681-10G>A (NM_001318827.2); c.4258-10G>A (NM_001318831.2); c.4645-10G>A (NM_001318829.2); and 2 more.
Identifiers: ClinVar variation 762236 (VCV000762236.12), dbSNP rs751012275, ClinGen allele CA053269.

ClinVar aggregate classification (germline): Likely benign. Review status: criteria provided, multiple submitters, no conflicts (2 of 4 stars). 3 submissions from 3 submitters: Likely benign (3). Last evaluated 2025-12-19.

Conditions:
Tuberous sclerosis 2 (TSC2). Identifiers: Orphanet 805, MedGen C1860707, MONDO:0013199, OMIM 613254.
TSC2-related disorder. Also called: TSC2-Related Disorders; TSC2-related condition.

gnomAD v4.1: 4 of 1,612,438 alleles (0.00025%); highest among the groups gnomAD compares: Admixed American, 0.0033%; no homozygotes.

Submissions (3):

Labcorp Genetics (formerly Invitae), Labcorp
Classification: Likely benign for Tuberous sclerosis 2. Last evaluated: 2025-12-19. Review status: criteria provided, single submitter. Criteria: Invitae Variant Classification Sherloc (09022015). Collection method: clinical testing. Allele origin: germline.

Myriad Genetics, Inc.
Classification: Likely benign for Tuberous sclerosis 2. Last evaluated: 2025-06-05. Review status: criteria provided, single submitter. Criteria: Myriad Autosomal Dominant, Autosomal Recessive and X-Linked Classification Criteria (2023). Collection method: clinical testing. Allele origin: unknown.
Comment: This variant is considered likely benign. This variant is intronic and is not expected to impact mRNA splicing.

PreventionGenetics, part of Exact Sciences
Classification: Likely benign for TSC2-related condition. Last evaluated: 2025-05-01. Review status: criteria provided, single submitter. Criteria: ACMG Guidelines, 2015. Collection method: clinical testing. Allele origin: germline.
Comment: This variant is classified as likely benign based on ACMG/AMP sequence variant interpretation guidelines (Richards et al. 2015 PMID: 25741868, with internal and published modifications).